The following is an entry in ClinVar:

NM_032444.4(SLX4):c.1475C>G (p.Ser492Cys)

Gene: SLX4 (SLX4 structure-specific endonuclease subunit; minus strand). Cytogenetic location: 16p13.3.
Variant type: single nucleotide variant.
Coding change: c.1475C>G on transcript NM_032444.4 (MANE Select); coding-DNA position 1475, C replaced by G.
Protein change: p.Ser492Cys; replaces serine 492 with cysteine.
Molecular consequence: missense variant.
Genome position (GRCh38, 1-based): chr16:3,597,587, G>C on the plus strand (C>G on the coding strand, the complement: SLX4 is on the minus strand). VCF-style: chr16-3597587-G-C. GRCh37 (hg19) VCF-style: chr16-3647588-G-C.
Other names: short protein forms S492C.
Identifiers: ClinVar variation 2729028 (VCV002729028.3), dbSNP rs2548219042, ClinGen allele CA394528995.

ClinVar aggregate classification (germline): Uncertain significance (1 of 4 stars; one submission).

Conditions:
Fanconi anemia (FA). Also called: Fanconi's anemia. Identifiers: Orphanet 84, MedGen C0015625, MeSH D005199, MONDO:0019391.

Submission:

Labcorp Genetics (formerly Invitae), Labcorp
Classification: Uncertain significance for Fanconi anemia. Last evaluated: 2023-09-08. Review status: criteria provided, single submitter. Criteria: Invitae Variant Classification Sherloc (09022015). Collection method: clinical testing. Allele origin: germline.
Comment: In summary, the available evidence is currently insufficient to determine the role of this variant in disease. Therefore, it has been classified as a Variant of Uncertain Significance. An algorithm developed to predict the effect of missense changes on protein structure and function (PolyPhen-2) suggests that this variant is likely to be disruptive. This variant has not been reported in the literature in individuals affected with SLX4-related conditions. This variant is not present in population databases (gnomAD no frequency). This sequence change replaces serine, which is neutral and polar, with cysteine, which is neutral and slightly polar, at codon 492 of the SLX4 protein (p.Ser492Cys).